The following is an entry in ClinVar:

ClinVar aggregate classification (germline): Likely benign (0 of 4 stars; one submission).

Conditions:
PLXNA3-related disorder. Also called: PLXNA3-related condition.

Submission:

PreventionGenetics, part of Exact Sciences
Classification: Likely benign for PLXNA3-related condition. Last evaluated: 2021-08-11. Review status: no assertion criteria provided. Collection method: clinical testing. Allele origin: germline.
Comment: This variant is classified as likely benign based on ACMG/AMP sequence variant interpretation guidelines (Richards et al. 2015 PMID: 25741868, with internal and published modifications).

NM_017514.5(PLXNA3):c.729G>A (p.Leu243=)

Gene: PLXNA3 (plexin A3; plus strand). Cytogenetic location: Xq28.
Variant type: single nucleotide variant.
Coding change: c.729G>A on transcript NM_017514.5 (MANE Select); coding-DNA position 729, G replaced by A.
Protein change: p.Leu243=; no amino-acid change (leucine 243 retained).
Molecular consequence: synonymous variant.
Genome position (GRCh38, 1-based): chrX:154,461,233, G>A. VCF-style: chrX-154461233-G-A. GRCh37 (hg19) VCF-style: chrX-153689573-G-A.
Identifiers: ClinVar variation 3054508 (VCV003054508.2), dbSNP rs201403408, ClinGen allele CA10563793.